The following is an entry in ClinVar:

ClinVar aggregate classification (germline): Uncertain significance (1 of 4 stars; one submission).

Conditions:
Autosomal dominant nocturnal frontal lobe epilepsy 5. Also called: Epilepsy, nocturnal frontal lobe, 5; KCNT1-Related Epilepsy; CILIARY DYSKINESIA, PRIMARY, 28, WITHOUT SITUS INVERSUS; CILIARY DYSKINESIA, PRIMARY, 28, WITH SITUS INVERSUS. Identifiers: Orphanet 98784, MedGen C3554306, MONDO:0014002, OMIM 615005.
Developmental and epileptic encephalopathy, 14 (DEE14). Also called: Early infantile epileptic encephalopathy 14. Identifiers: Orphanet 293181, MedGen C3554195, MONDO:0013989, OMIM 614959.

Submission:

Labcorp Genetics (formerly Invitae), Labcorp
Classification: Uncertain significance for Autosomal dominant nocturnal frontal lobe epilepsy 5; Developmental and epileptic encephalopathy, 14. Last evaluated: 2022-04-20. Review status: criteria provided, single submitter. Criteria: Invitae Variant Classification Sherloc (09022015). Collection method: clinical testing. Allele origin: germline.
Comment: In summary, the available evidence is currently insufficient to determine the role of this variant in disease. Therefore, it has been classified as a Variant of Uncertain Significance. This variant has not been reported in the literature in individuals affected with KCNT1-related conditions. This variant is a gross deletion of the genomic region encompassing exon(s) 3-9 of the KCNT1 gene. This deletion is out-of-frame, and is expected to create a premature translational stop signal and result in an absent or disrupted protein product. However, the current clinical and genetic evidence is not sufficient to establish whether loss-of-function variants in KCNT1 cause disease.

NC_000009.11:g.(?_138641924)_(138649247_?)del

Gene: KCNT1 (potassium sodium-activated channel subfamily T member 1; plus strand). Cytogenetic location: 9q34.3.
Variant type: Deletion.
Identifiers: ClinVar variation 2426623 (VCV002426623.6).